The following is an entry in ClinVar:

NM_004415.4(DSP):c.*5_*6dup

Gene: DSP (desmoplakin; plus strand). Cytogenetic location: 6p24.3.
Variant type: Duplication.
Coding change: c.*5_*6dup on transcript NM_004415.4 (MANE Select); 5 bases downstream of the stop codon through 6 bases downstream of the stop codon, 2 bases duplicated (CA; older notation c.*5_*6dupCA).
Molecular consequence: 3 prime UTR variant.
Genome position (GRCh38, 1-based): chr6:7,585,883-7,585,884, CA duplicated. VCF-style (leftmost placement, unchanged base first): chr6-7585882-T-TCA. GRCh37 (hg19) VCF-style: chr6-7586115-T-TCA.
Other names: c.*5_*6dup (NM_001008844.3, NM_001319034.2).
Identifiers: ClinVar variation 3072008 (VCV003072008.1), dbSNP rs2533953465, ClinGen allele CA2825001492.

ClinVar aggregate classification (germline): Uncertain significance (1 of 4 stars; one submission).

Conditions:
Arrhythmogenic cardiomyopathy with wooly hair and keratoderma. Also called: PALMOPLANTAR KERATODERMA WITH LEFT VENTRICULAR CARDIOMYOPATHY AND WOOLLY HAIR; Carvajal syndrome; Dilated cardiomyopathy with woolly hair and keratoderma; Arrhythmogenic cardiomyopathy with woolly hair and keratoderma. Identifiers: Orphanet 65282, MedGen C1854063, MONDO:0011581, OMIM 605676.

Submission:

All of Us Research Program, National Institutes of Health
Classification: Uncertain significance for Arrhythmogenic cardiomyopathy with wooly hair and keratoderma. Last evaluated: 2023-06-26. Review status: criteria provided, single submitter. Criteria: ACMG Guidelines, 2015. Collection method: clinical testing. Allele origin: germline. Inheritance: Autosomal dominant inheritance. Observed: 1 variant allele, 1 heterozygote.
Comment: This variant is located in the 3' untranslated region of the DSP gene. To our knowledge, functional studies have not been reported for this variant. This variant has not been reported in individuals affected with DSP-related disorders in the literature. This variant has not been identified in the general population by the Genome Aggregation Database (gnomAD). The available evidence is insufficient to determine the role of this variant in disease conclusively. Therefore, this variant is classified as a Variant of Uncertain Significance.

This study involves interpretation of variants in research participants for the purpose of population health screening. Participant phenotype was not available at the time of variant classification. Additional details can be found in publication PMID: 35346344, PMCID: PMC8962531